The following is an entry in ClinVar:

ClinVar aggregate classification (germline): Uncertain significance (1 of 4 stars; one submission).

Allele frequency attached by ClinVar (database versions not stated): gnomAD exomes below 0.00001; gnomAD 0.00001.
gnomAD v4.1: 4 of 1,537,168 alleles (0.00026%); highest among the groups gnomAD compares: Non-Finnish European, 0.00036%; no homozygotes.

Submission:

Labcorp Genetics (formerly Invitae), Labcorp
Classification: Uncertain significance. Last evaluated: 2023-08-16. Review status: criteria provided, single submitter. Criteria: Invitae Variant Classification Sherloc (09022015). Collection method: clinical testing. Allele origin: germline.
Comment: In summary, the available evidence is currently insufficient to determine the role of this variant in disease. Therefore, it has been classified as a Variant of Uncertain Significance. Variants that disrupt the consensus splice site are a relatively common cause of aberrant splicing (PMID: 17576681, 9536098). Algorithms developed to predict the effect of sequence changes on RNA splicing suggest that this variant may disrupt the consensus splice site. ClinVar contains an entry for this variant (Variation ID: 1393590). This variant has not been reported in the literature in individuals affected with ASAH1-related conditions. This variant is not present in population databases (gnomAD no frequency). This sequence change falls in intron 3 of the ASAH1 gene. It does not directly change the encoded amino acid sequence of the ASAH1 protein. It affects a nucleotide within the consensus splice site.

Literature cited by the submitters: PubMed 17576681; PubMed 9536098.

NM_177924.5(ASAH1):c.216+3A>G

Gene: ASAH1 (N-acylsphingosine amidohydrolase 1; minus strand). Cytogenetic location: 8p22.
Variant type: single nucleotide variant.
Coding change: c.216+3A>G on transcript NM_177924.5 (MANE Select); 3 bases into the intron after coding-DNA position 216, A replaced by G.
Molecular consequence: intron variant.
Genome position (GRCh38, 1-based): chr8:18,071,297, T>C on the plus strand (A>G on the coding strand, the complement: ASAH1 is on the minus strand). VCF-style: chr8-18071297-T-C. GRCh37 (hg19) VCF-style: chr8-17928806-T-C.
Other names: c.264+3A>G (NM_004315.6); c.285+3A>G (NM_001127505.3); c.21+3A>G (NM_001363743.2).
Identifiers: ClinVar variation 1393590 (VCV001393590.4), dbSNP rs1800162662, ClinGen allele CA1111407735.